The following is an entry in ClinVar:

ClinVar aggregate classification (germline): Uncertain significance (1 of 4 stars; one submission).

Allele frequency attached by ClinVar (database versions not stated): TOPMed below 0.00001; gnomAD 0.00001; ExAC 0.00003.
gnomAD v4.1: 12 of 1,613,626 alleles (0.00074%); highest among the groups gnomAD compares: Non-Finnish European, 0.00076%; no homozygotes.

Submission:

Labcorp Genetics (formerly Invitae), Labcorp
Classification: Uncertain significance. Last evaluated: 2023-12-03. Review status: criteria provided, single submitter. Criteria: Invitae Variant Classification Sherloc (09022015). Collection method: clinical testing. Allele origin: germline.
Comment: This sequence change replaces arginine, which is basic and polar, with cysteine, which is neutral and slightly polar, at codon 3396 of the VCAN protein (p.Arg3396Cys). This variant is present in population databases (rs767516872, gnomAD 0.004%). This variant has not been reported in the literature in individuals affected with VCAN-related conditions. ClinVar contains an entry for this variant (Variation ID: 2095435). An algorithm developed to predict the effect of missense changes on protein structure and function (PolyPhen-2) suggests that this variant is likely to be disruptive. In summary, the available evidence is currently insufficient to determine the role of this variant in disease. Therefore, it has been classified as a Variant of Uncertain Significance.

NM_004385.5(VCAN):c.10186C>T (p.Arg3396Cys)

Gene: VCAN (versican; plus strand). Cytogenetic location: 5q14.3.
Variant type: single nucleotide variant.
Coding change: c.10186C>T on transcript NM_004385.5 (MANE Select); coding-DNA position 10186, C replaced by T.
Protein change: p.Arg3396Cys; replaces arginine 3396 with cysteine.
Molecular consequence: missense variant.
Genome position (GRCh38, 1-based): chr5:83,580,429, C>T. VCF-style: chr5-83580429-C-T. GRCh37 (hg19) VCF-style: chr5-82876248-C-T.
Other names: c.1963C>T, p.Arg655Cys (NM_001126336.3); c.7225C>T, p.Arg2409Cys (NM_001164097.2); c.4924C>T, p.Arg1642Cys (NM_001164098.2); short protein forms R1642C, R2409C, R3396C, R655C.
Identifiers: ClinVar variation 2095435 (VCV002095435.4), dbSNP rs767516872, ClinGen allele CA3334185.